The following is an entry in ClinVar:

ClinVar aggregate classification (germline): Uncertain significance (1 of 4 stars; one submission).

Allele frequency attached by ClinVar (database versions not stated): gnomAD exomes below 0.00001.
gnomAD v4.1: 2 of 1,614,140 alleles (0.00012%); highest among the groups gnomAD compares: East Asian, 0.0022%; no homozygotes.

Submission:

CeGaT Center for Human Genetics Tuebingen
Classification: Uncertain significance. Last evaluated: 2023-10-01. Review status: criteria provided, single submitter. Criteria: CeGaT Center For Human Genetics Tuebingen Variant Classification Criteria Version 2. Collection method: clinical testing. Allele origin: germline. Affected: yes. Observed: 1 variant allele.
Comment: HOXA1: PM2

NM_005522.5(HOXA1):c.329C>T (p.Pro110Leu)

Gene: HOXA1 (homeobox A1; minus strand). Cytogenetic location: 7p15.2.
Variant type: single nucleotide variant.
Coding change: c.329C>T on transcript NM_005522.5 (MANE Select); coding-DNA position 329, C replaced by T.
Protein change: p.Pro110Leu; replaces proline 110 with leucine.
Molecular consequence: missense variant.
Genome position (GRCh38, 1-based): chr7:27,095,584, G>A on the plus strand (C>T on the coding strand, the complement: HOXA1 is on the minus strand). VCF-style: chr7-27095584-G-A. GRCh37 (hg19) VCF-style: chr7-27135203-G-A.
Other names: c.329C>T, p.Pro110Leu (NM_153620.3); short protein forms P110L.
Identifiers: ClinVar variation 2657358 (VCV002657358.24), dbSNP rs1268485541, ClinGen allele CA367068806.